The following is an entry in ClinVar:

NM_001164508.2(NEB):c.20384A>G (p.Asp6795Gly)

Gene: NEB (nebulin; minus strand). Cytogenetic location: 2q23.3.
Variant type: single nucleotide variant.
Coding change: c.20384A>G on transcript NM_001164508.2 (MANE Select); coding-DNA position 20384, A replaced by G.
Protein change: p.Asp6795Gly; replaces aspartic acid 6795 with glycine.
Molecular consequence: missense variant.
Genome position (GRCh38, 1-based): chr2:151,546,427, T>C on the plus strand (A>G on the coding strand, the complement: NEB is on the minus strand). VCF-style: chr2-151546427-T-C. GRCh37 (hg19) VCF-style: chr2-152402941-T-C.
Other names: c.20384A>G, p.Asp6795Gly (NM_001164507.2, NM_001271208.2); c.15281A>G, p.Asp5094Gly (NM_004543.5); short protein forms D5094G, D6795G.
Identifiers: ClinVar variation 2193095 (VCV002193095.4), dbSNP rs2552174515, ClinGen allele CA348781204.

ClinVar aggregate classification (germline): Uncertain significance (1 of 4 stars; one submission).

Conditions:
Nemaline myopathy 2 (NEM2). Also called: Nemaline myopathy 2, autosomal recessive. Identifiers: MedGen C1850569, MONDO:0009725, OMIM 256030.

gnomAD v4.1: 1 of 1,612,916 alleles (0.000062%); no homozygotes.

Submission:

Labcorp Genetics (formerly Invitae), Labcorp
Classification: Uncertain significance for Nemaline myopathy 2. Last evaluated: 2022-08-05. Review status: criteria provided, single submitter. Criteria: Invitae Variant Classification Sherloc (09022015). Collection method: clinical testing. Allele origin: germline.
Comment: This sequence change replaces aspartic acid, which is acidic and polar, with glycine, which is neutral and non-polar, at codon 6795 of the NEB protein (p.Asp6795Gly). In summary, the available evidence is currently insufficient to determine the role of this variant in disease. Therefore, it has been classified as a Variant of Uncertain Significance. Algorithms developed to predict the effect of missense changes on protein structure and function are either unavailable or do not agree on the potential impact of this missense change (SIFT: "Deleterious"; PolyPhen-2: "Not Available"; Align-GVGD: "Class C0"). This variant has not been reported in the literature in individuals affected with NEB-related conditions. This variant is not present in population databases (gnomAD no frequency).